The following is an entry in ClinVar:

ClinVar aggregate classification (germline): Likely pathogenic (1 of 4 stars; one submission).

Submission:

Labcorp Genetics (formerly Invitae), Labcorp
Classification: Likely pathogenic. Last evaluated: 2022-06-13. Review status: criteria provided, single submitter. Criteria: Invitae Variant Classification Sherloc (09022015). Collection method: clinical testing. Allele origin: germline.
Comment: This variant has not been reported in the literature in individuals affected with IFT81-related conditions. In summary, the currently available evidence indicates that the variant is pathogenic, but additional data are needed to prove that conclusively. Therefore, this variant has been classified as Likely Pathogenic. Algorithms developed to predict the effect of sequence changes on RNA splicing suggest that this variant may disrupt the consensus splice site. ClinVar contains an entry for this variant (Variation ID: 935192). This variant is not present in population databases (gnomAD no frequency). This sequence change affects a donor splice site in intron 16 of the IFT81 gene. It is expected to disrupt RNA splicing. Variants that disrupt the donor or acceptor splice site typically lead to a loss of protein function (PMID: 16199547), and loss-of-function variants in IFT81 are known to be pathogenic (PMID: 26275418, 27666822).

Literature cited by the submitters: PubMed 16199547; PubMed 26275418; PubMed 27666822.

NM_014055.4(IFT81):c.1716+2T>C

Gene: IFT81 (intraflagellar transport 81; plus strand). Cytogenetic location: 12q24.11.
Variant type: single nucleotide variant.
Coding change: c.1716+2T>C on transcript NM_014055.4 (MANE Select); the canonical splice donor site of the intron after coding-DNA position 1716, T replaced by C.
Molecular consequence: splice donor variant.
Genome position (GRCh38, 1-based): chr12:110,205,516, T>C. VCF-style: chr12-110205516-T-C. GRCh37 (hg19) VCF-style: chr12-110643321-T-C.
Other names: c.786+2T>C (NM_001347948.2, NM_001347947.2); c.1716+2T>C (NM_001143779.2).
Identifiers: ClinVar variation 935192 (VCV000935192.8), dbSNP rs1480641848, ClinGen allele CA386909251.